The following is an entry in ClinVar:

ClinVar aggregate classification (germline): Likely pathogenic. Review status: reviewed by expert panel (3 of 4 stars). 9 submissions from 9 submitters: Likely pathogenic (1). 8 of the submissions do not count toward it. Last evaluated 2026-09-21.

Conditions:
Hereditary cancer-predisposing syndrome. Also called: Hereditary Cancer Syndrome; Hereditary neoplastic syndrome; Neoplastic Syndromes, Hereditary; Tumor predisposition. Identifiers: Orphanet 140162, MedGen C0027672, MeSH D009386, MONDO:0015356.
Familial cancer of breast. Also called: hereditary breast carcinoma; BREAST CANCER, FAMILIAL; Hereditary breast cancer. Identifiers: Orphanet 227535, MedGen C0346153, MONDO:0016419, OMIM 114480. Disease mechanism: loss of function.
BRCA1-related cancer predisposition. Identifiers: MedGen CN377757, MONDO:0700268.
Hereditary breast ovarian cancer syndrome. Also called: BRCA1- and BRCA2-Associated Hereditary Breast and Ovarian Cancer; Hereditary breast and ovarian cancer syndrome; Hereditary breast and ovarian cancer syndrome (HBOC); Breast and ovarian cancer; Hereditary breast and/or ovarian cancer syndrome; Hereditary breast and ovarian cancer. Identifiers: Orphanet 145, MedGen C0677776, MeSH D061325, MONDO:0003582. Disease mechanism: loss of function.
Breast-ovarian cancer, familial, susceptibility to, 1 (BROVCA1). Also called: BRCA1 Hereditary Breast and Ovarian Cancer; OVARIAN CANCER, SUSCEPTIBILITY TO. Identifiers: Orphanet 145, MedGen C2676676, MONDO:0011450, OMIM 604370. Disease mechanism: loss of function.

gnomAD v4.1: 1 of 1,614,094 alleles (0.000062%); highest among the groups gnomAD compares: South Asian, 0.0011%; no homozygotes.

Submissions (10):

ClinGen ENIGMA BRCA1 and BRCA2 Variant Curation Expert Panel, ClinGen
Classification: Likely pathogenic for BRCA1-related cancer predisposition. Last evaluated: 2026-09-21. Review status: reviewed by expert panel. Criteria: CSpec BRCA1/2ACMG Rules Specifications V1.2. Collection method: curation. Allele origin: germline. Inheritance: Autosomal dominant inheritance.
Comment: The c.5522G>A variant in BRCA1 is a missense variant predicted to cause substitution of Serine by Asparagine at amino acid 1841 (p.(Ser1841Asn)). This variant is absent from gnomAD v2.1 (exomes only, non-cancer subset, read depth ≥25) and gnomAD v3.1 (non-cancer subset, read depth ≥25) (PM2_Supporting met). Reported by two or more calibrated studies with discordant results. Reported by three calibrated studies with discordant results. Functional effect similar to pathogenic control variants (PMIDs:30209399, 38709234) and between what was observed for benign and pathogenic control variants (PMID:30257991), however due to the number of concordant assays and only one discrepancy, the VCEP decided to apply PS3 (PS3 met). This BRCA1 missense variant is within a key functional domain and the computational predictor BayesDel (noAF) gives a score of 0.14, which is below the recommended threshold of 0.15 for predicting no impact on BRCA1 via protein change. A SpliceAI score of 0 predicts no impact on splicing (score threshold <0.10) (BP4 met). Multifactorial likelihood ratio analysis using clinically calibrated data produced a combined LR for this variant of 8.42 (based on Cosegregation LR=14.79; Pathology LR=0.09; Co-occurrence LR=1.07; Family History LR=5.98), within the thresholds for moderate evidence towards pathogenicity (LR >4.3 & ≤18.7) (PP4_Moderate met; PMID: 31131967, Internal lab contributor). In summary, this variant meets the criteria to be classified as a Likely pathogenic variant for BRCA1-related cancer predisposition based on the ACMG/AMP criteria applied as specified by the ENIGMA BRCA1/2 VCEP (PM2_Supporting, BP4, PP4_Moderate, PS3).

Labcorp Genetics (formerly Invitae), Labcorp
Classification: Likely pathogenic for Hereditary breast ovarian cancer syndrome. Last evaluated: 2025-10-23. Review status: criteria provided, single submitter. Criteria: Invitae Variant Classification Sherloc (09022015). Collection method: clinical testing. Allele origin: germline. Not counted in ClinVar's aggregate classification.
Comment: This sequence change replaces serine, which is neutral and polar, with asparagine, which is neutral and polar, at codon 1841 of the BRCA1 protein (p.Ser1841Asn). This variant is not present in population databases (gnomAD no frequency). This missense change has been observed in individual(s) with breast cancer and/or ovarian cancer (PMID: 28364669, 29752822, 35918668). ClinVar contains an entry for this variant (Variation ID: 55613). Invitae Evidence Modeling incorporating data from in vitro experimental studies (PMID: 30209399) indicates that this missense variant is expected to disrupt BRCA1 function with a positive predictive value of 95%. Experimental studies have shown that this missense change affects BRCA1 function (PMID: 16786532, 16969499, 17005433, 20378548, 25748678, 28781887, 30209399, 30257991, 30765603). This variant disrupts the p.Ser1841 amino acid residue in BRCA1. Other variant(s) that disrupt this residue have been determined to be pathogenic (PMID: 20516115, 23522120, 30209399). This suggests that this residue is clinically significant, and that variants that disrupt this residue are likely to be disease-causing. In summary, the currently available evidence indicates that the variant is pathogenic, but additional data are needed to prove that conclusively. Therefore, this variant has been classified as Likely Pathogenic.

Ambry Genetics
Classification: Likely pathogenic for Hereditary cancer-predisposing syndrome. Last evaluated: 2025-10-21. Review status: criteria provided, single submitter. Criteria: Ambry Variant Classification Scheme 2023. Collection method: clinical testing. Allele origin: germline. Not counted in ClinVar's aggregate classification.
Comment: The p.S1841N variant (also known as c.5522G>A), located in coding exon 22 of the BRCA1 gene, results from a G to A substitution at nucleotide position 5522. The serine at codon 1841 is replaced by asparagine, an amino acid with highly similar properties. This variant has been identified in cohorts of breast and ovarian cancer patients (Ryu JM et al. Breast, 2017 Jun;33:109-116; Li JY et al. Int. J. Cancer, 2019 01;144:281-289). This alteration has been shown to have a detrimental effect on protein stability, structure, and binding in functional assays (Lee MS et al. Cancer Res., 2010 Jun;70:4880-90; Petitalot A et al. Mol. Cancer Res., 2019 01;17:54-69), and was determined to be deleterious in a high throughput genome editing haploid cell survival assay (Findlay GM et al. Nature, 2018 10;562:217-222). Based on internal structural analysis, p.S1841N is highly disruptive to this region of BRCA1 (Ambry internal data; Gaiser OJ et al. Biochemistry. 2004 Dec;43(51):15983-95). This variant is considered to be rare based on population cohorts in the Genome Aggregation Database (gnomAD). This amino acid position is highly conserved in available vertebrate species. In addition, this alteration is predicted to be deleterious by in silico analysis. Based on the majority of available evidence to date, this variant is likely to be pathogenic.

Quest Diagnostics Nichols Institute San Juan Capistrano
Classification: Likely pathogenic. Last evaluated: 2025-06-30. Review status: criteria provided, single submitter. Criteria: Quest Diagnostics criteria. Collection method: clinical testing. Allele origin: unknown. Not counted in ClinVar's aggregate classification.
Comment: The BRCA1 c.5522G>A (p.Ser1841Asn) variant has been reported in the published literature in individuals affected with breast and/or ovarian cancer (PMID: 35918668 (2022), 29752822 (2018), 28364669 (2017)). Assessment of experimental evidence suggests this variant results in abnormal protein function (PMID: 30765603 (2019), 30209399 (2018), 28781887 (2016), 20516115 (2010)). This variant has not been reported in large, multi-ethnic general populations (Genome Aggregation Database). Analysis of this variant using bioinformatics tools for the prediction of the effect of amino acid changes on protein structure and function yielded predictions that this variant is damaging. Based on the available information, this variant is classified as likely pathogenic.

Color Diagnostics, LLC DBA Color Health
Classification: Likely pathogenic for Hereditary cancer-predisposing syndrome. Last evaluated: 2025-04-28. Review status: criteria provided, single submitter. Criteria: ACMG Guidelines, 2015. Collection method: clinical testing. Allele origin: germline. Not counted in ClinVar's aggregate classification.
Comment: This missense variant replaces serine with asparagine at codon 1841 in the BRCT domain of the BRCA1 protein. Computational prediction is inconclusive regarding the impact of this variant on protein structure and function. Functional studies have shown that this variant reduces homology-directed DNA repair activity and has been reported to be loss-of-function in a haploid cell proliferation assay (PMID: 25748678, 30209399, 30257991). This variant has been reported in at least three individuals affected with breast or ovarian cancer (PMID: 28364669, 29752822, 35918668). A multifactorial analysis has reported segregation, co-occurrence, tumor pathology, and family history likelihood ratios for pathogenicity of 14.79, 1.067, 0.089 and 5.97, respectively (PMID: 31131967). This variant has not been identified in the general population by the Genome Aggregation Database (gnomAD). Different variants occurring at the same codon, p.Ser1841Arg and p.Ser1841Ile, are likely pathogenic mutations (Clinvar Variation ID: 37681, 869004, 869006), indicating that serine at this position is important for BRCA1 protein function. Based on the available evidence, this variant is classified as Likely Pathogenic.

GeneDx
Classification: Likely pathogenic. Last evaluated: 2023-08-25. Review status: criteria provided, single submitter. Criteria: GeneDx Variant Classification Process June 2021. Collection method: clinical testing. Allele origin: germline. Affected: yes. Not counted in ClinVar's aggregate classification.
Comment: In silico analysis supports that this missense variant does not alter protein structure/function; Not observed at significant frequency in large population cohorts (gnomAD); Also known as 5641G>A; This variant is associated with the following publications: (PMID: 20608970, 17305420, 15235020, 15172985, 16969499, 20378548, 17005433, 10946236, 20516115, 31131967, 25748678, 28781887, 28364669, 30765603, 16786532, 30257991, 25348405, 32377563, 30209399, 32803532, 29884841, 35665744, 35918668, 29752822)

Breast Center, Key Laboratory of Carcinogenesis and Translational Research
Classification: Pathogenic for Hereditary breast and ovarian cancer syndrome. Last evaluated: 2020-05-01. Review status: criteria provided, single submitter. Criteria: ACMG Guidelines, 2015. Collection method: clinical testing. Allele origin: germline. Observed: 1 variant allele. Not counted in ClinVar's aggregate classification.

Breast Cancer Information Core (BIC) (BRCA1)
Classification: Uncertain significance for Breast-ovarian cancer, familial 1. Last evaluated: 2000-06-12. Review status: no assertion criteria provided. Collection method: clinical testing. Allele origin: germline. Affected: yes. Observed: 4 variant alleles. Not counted in ClinVar's aggregate classification.

Brotman Baty Institute, University of Washington
No classification provided (evidence only). Condition: Breast-ovarian cancer, familial 1. Review status: no classification provided. Collection method: in vitro. Allele origin: not applicable. Functional consequence: functionally_abnormal. Not counted in ClinVar's aggregate classification.
ClinVar note: "not provided" was previously submitted as the classification for the variant. However, the classification appeared to be based only on an observation of functional data so it was converted to no classification on 2025-07-30.

Center for Precision Medicine, Meizhou People's Hospital
Classification: Uncertain significance for Familial cancer of breast. Review status: no assertion criteria provided. Collection method: literature only. Allele origin: germline. Affected: yes. Not counted in ClinVar's aggregate classification.

Literature cited by the submitters: PubMed 28364669 (cited by 5 submitters); PubMed 29752822 (cited by 5 submitters); PubMed 35918668 (cited by 3 submitters); PubMed 30209399 (cited by 6 submitters); PubMed 16786532 (cited by 4 submitters); PubMed 16969499 (cited by 5 submitters); PubMed 17005433 (cited by 4 submitters); PubMed 20378548 (cited by 4 submitters); PubMed 25748678 (cited by 5 submitters); PubMed 28781887 (cited by 4 submitters); PubMed 30257991 (cited by 5 submitters); PubMed 30765603 (cited by 4 submitters); PubMed 20516115 (cited by 4 submitters); PubMed 23522120 (cited by Labcorp Genetics (formerly Invitae), Labcorp); PubMed 15172985 (cited by Ambry Genetics and Quest Diagnostics Nichols Institute San Juan Capistrano); PubMed 15235020 (cited by Ambry Genetics and Quest Diagnostics Nichols Institute San Juan Capistrano); PubMed 17305420 (cited by Ambry Genetics); PubMed 31131967 (cited by Color Diagnostics, LLC DBA Color Health).

NM_007294.4(BRCA1):c.5522G>A (p.Ser1841Asn)

Gene: BRCA1 (BRCA1 DNA repair associated; minus strand). Cytogenetic location: 17q21.31.
Variant type: single nucleotide variant.
Coding change: c.5522G>A on transcript NM_007294.4 (MANE Select); coding-DNA position 5522, G replaced by A.
Protein change: p.Ser1841Asn; replaces serine 1841 with asparagine.
Molecular consequence: missense variant. On other transcripts: 3 prime UTR variant (1), non-coding transcript variant (1).
Genome position (GRCh38, 1-based): chr17:43,045,748, C>T on the plus strand (G>A on the coding strand, the complement: BRCA1 is on the minus strand). VCF-style: chr17-43045748-C-T. GRCh37 (hg19) VCF-style: chr17-41197765-C-T.
Other names: NM_007294.4(BRCA1):c.5522G>A; p.Ser1841Asn; c.5519G>A, p.Ser1840Asn (NM_001407614.1, NM_001407615.1, NM_001407616.1 and 14 more transcripts); c.5444G>A, p.Ser1815Asn (NM_001407655.1, NM_001407652.1, NM_001407653.1 and 1 more transcripts); c.5441G>A, p.Ser1814Asn (NM_001407656.1, NM_001407657.1, NM_001407658.1); c.5438G>A, p.Ser1813Asn (NM_001407659.1, NM_001407660.1, NM_001407661.1 and 2 more transcripts); c.5399G>A, p.Ser1800Asn (NM_001407664.1, NM_001407665.1, NM_001407666.1 and 3 more transcripts); c.5396G>A, p.Ser1799Asn (NM_001407674.1, NM_001407675.1, NM_001407676.1 and 8 more transcripts); and 76 more; short protein forms S1841N, S1862N, S737N, S1794N, S1714N, S1751N, S1757N, S1772N.
Identifiers: ClinVar variation 55613 (VCV000055613.33), dbSNP rs80357368, ClinGen allele CA003696.